The following is an entry in ClinVar:

NM_006767.3(LZTR1):c.404dupG

Gene: LZTR1 (leucine zipper like post translational regulator 1; plus strand). Cytogenetic location: 22q11.21.
Variant type: Duplication.
Coding change: c.404dupG on transcript NM_006767.3; coding-DNA position 404, one base duplicated (G).
Genome position (GRCh38, 1-based): chr22:20,988,013, G duplicated; the last of 5 consecutive G bases (chr22:20,988,009-20,988,013); duplicating any one gives the same sequence. VCF-style (leftmost placement, unchanged base first): chr22-20988008-A-AG. GRCh37 (hg19) VCF-style: chr22-21342297-A-AG.
Identifiers: ClinVar variation 3238280 (VCV003238280.1), dbSNP rs774779041.

ClinVar aggregate classification (germline): Pathogenic (1 of 4 stars; one submission).

Conditions:
Cardiovascular phenotype. Identifiers: MedGen CN230736.
Hereditary cancer-predisposing syndrome. Also called: Tumor predisposition; Hereditary Cancer Syndrome; Hereditary neoplastic syndrome; Neoplastic Syndromes, Hereditary. Identifiers: Orphanet 140162, MedGen C0027672, MeSH D009386, MONDO:0015356.

Submission:

Ambry Genetics
Classification: Pathogenic for Cardiovascular phenotype; Hereditary cancer-predisposing syndrome. Last evaluated: 2024-03-13. Review status: criteria provided, single submitter. Criteria: Ambry Variant Classification Scheme 2023. Collection method: clinical testing. Allele origin: germline.
Comment: The c.404dupG variant, located in coding exon 5 of the LZTR1 gene, results from a duplication of G at nucleotide position 404, causing a translational frameshift with a predicted alternate stop codon (p.Y136Lfs*10). This alteration is expected to result in loss of function by premature protein truncation or nonsense-mediated mRNA decay. Loss-of-function variants in LZTR1 are related to an increased risk for schwannomas and autosomal recessive Noonan syndrome; however, such associations with autosomal dominant Noonan syndrome have not been observed (Piotrowski A et al. Nat Genet. 2014 Feb;46:182-7; Yamamoto GL et al. J Med Genet. 2015 Jun;52:413-21; Johnston JJ et al. Genet Med. 2018 10;20:1175-1185). This variant is considered to be rare based on population cohorts in the Genome Aggregation Database (gnomAD). Based on the supporting evidence, this variant is pathogenic for an increased risk of LZTR1-related schwannomatosis (SWN) and would be expected to cause autosomal recessive Noonan syndrome when present along with a second pathogenic or likely pathogenic variant on the other allele; however, the association of this alteration with autosomal dominant Noonan syndrome is unlikely.